The following is an entry in ClinVar:

NM_000404.4(GLB1):c.425_428del (p.Lys142fs)

Gene: GLB1 (galactosidase beta 1; minus strand). Cytogenetic location: 3p22.3.
Variant type: Deletion.
Coding change: c.425_428del on transcript NM_000404.4 (MANE Select); coding-DNA positions 425 to 428, 4 bases deleted (AAGA; older notation c.425_428delAAGA).
Protein change: p.Lys142fs; shifts the reading frame from lysine 142.
Molecular consequence: frameshift variant. On other transcripts: intron variant (1).
Genome position (GRCh38, 1-based): chr3:33,068,259-33,068,262, TCTT deleted on the plus strand (AAGA on the coding strand, the reverse complement: GLB1 is on the minus strand); deleting any 4 consecutive bases within chr3:33,068,259-33,068,265 gives the same sequence; the c. name uses the placement nearest the transcript's 3' end. VCF-style (leftmost placement, unchanged base first): chr3-33068258-CTCTT-C. GRCh37 (hg19) VCF-style: chr3-33109750-CTCTT-C.
Other names: c.335_338del, p.Lys112fs (NM_001079811.3); c.569_572del, p.Lys190fs (NM_001317040.2); c.425_428del, p.Lys142fs (NM_001393580.1); c.246-2705_246-2702del (NM_001135602.3); short protein forms K112fs, K142fs, K190fs.
Identifiers: ClinVar variation 1332777 (VCV001332777.9), dbSNP rs1699765928, ClinGen allele CA1046623179.

ClinVar aggregate classification (germline): Pathogenic. Review status: criteria provided, multiple submitters, no conflicts (2 of 4 stars). 2 submissions from 2 submitters: Pathogenic (2). Last evaluated 2023-02-22.

Conditions:
Mucopolysaccharidosis, MPS-IV-B (MPS4B). Also called: MORQUIO SYNDROME B; Mucopolysaccharidosis Type IVB (Morquio B Disease); Mucopolysaccharidosis type 4B; Mucopolysaccharidosis type IVB (Morquio); MPS IVB; Mucopolysaccharidosis type IV B. Identifiers: Orphanet 309310, Orphanet 582, MedGen C0086652, MONDO:0009660, OMIM 253010.
GM1 gangliosidosis. Identifiers: Orphanet 354, MedGen C0085131, MONDO:0018149.
Infantile GM1 gangliosidosis. Also called: GM1-gangliosidosis, type I; Gangliosidosis, generalized GM1, infantile form; GLB1 deficiency; GM1 gangliosidosis type 1; Gangliosidosis, Generalized GM1, Type 1. Identifiers: Orphanet 354, Orphanet 79255, MedGen C0268271, MONDO:0009260, OMIM 230500.

Submissions (2):

Labcorp Genetics (formerly Invitae), Labcorp
Classification: Pathogenic for Mucopolysaccharidosis, MPS-IV-B; GM1 gangliosidosis. Last evaluated: 2023-02-22. Review status: criteria provided, single submitter. Criteria: Invitae Variant Classification Sherloc (09022015). Collection method: clinical testing. Allele origin: germline.
Comment: For these reasons, this variant has been classified as Pathogenic. ClinVar contains an entry for this variant (Variation ID: 1332777). This premature translational stop signal has been observed in individual(s) with GM1 gangliosidosis (PMID: 21497194). This variant is not present in population databases (gnomAD no frequency). This sequence change creates a premature translational stop signal (p.Lys142Serfs*27) in the GLB1 gene. It is expected to result in an absent or disrupted protein product. Loss-of-function variants in GLB1 are known to be pathogenic (PMID: 18524657).

Kasturba Medical College, Manipal, Kasturba Medical College, Manipal, Manipal Academy of Higher Education, Manipal, India
Classification: Pathogenic for Infantile GM1 gangliosidosis. Review status: criteria provided, single submitter. Criteria: ACMG Guidelines, 2015. Collection method: clinical testing. Allele origin: de novo. Affected: yes.

Literature cited by the submitters: PubMed 21497194 (cited by Labcorp Genetics (formerly Invitae), Labcorp); PubMed 18524657 (cited by Labcorp Genetics (formerly Invitae), Labcorp).